The following is an entry in ClinVar:

NM_001283009.2(RTEL1):c.1636G>C (p.Gly546Arg)

Genes: RTEL1 (regulator of telomere elongation helicase 1; plus strand), RTEL1-TNFRSF6B (RTEL1-TNFRSF6B readthrough (NMD candidate); plus strand). Cytogenetic location: 20q13.33.
Variant type: single nucleotide variant.
Coding change: c.1636G>C on transcript NM_001283009.2 (MANE Select); coding-DNA position 1636, G replaced by C.
Protein change: p.Gly546Arg; replaces glycine 546 with arginine.
Molecular consequence: missense variant. On other transcripts: non-coding transcript variant (1).
Genome position (GRCh38, 1-based): chr20:63,688,179, G>C. VCF-style: chr20-63688179-G-C. GRCh37 (hg19) VCF-style: chr20-62319532-G-C.
Other names: c.967G>C, p.Gly323Arg (NM_001283010.1); c.1636G>C, p.Gly546Arg (NM_016434.4); c.1708G>C, p.Gly570Arg (NM_032957.5); short protein forms G546R, G323R, G570R.
Identifiers: ClinVar variation 2923509 (VCV002923509.3), dbSNP rs761587168, ClinGen allele CA9964882.

ClinVar aggregate classification (germline): Uncertain significance (1 of 4 stars; one submission).

Conditions:
Dyskeratosis congenita, autosomal recessive 5 (DKCB5). Identifiers: MedGen C3554656, MONDO:0014076, OMIM 615190.
Pulmonary fibrosis and/or bone marrow failure, Telomere-related, 3. Also called: PULMONARY FIBROSIS AND/OR BONE MARROW FAILURE SYNDROME, TELOMERE-RELATED, 3. Identifiers: Orphanet 2032, MedGen C4225346, MONDO:0014613, OMIM 616373.

Allele frequency attached by ClinVar (database versions not stated): ExAC 0.00001.
gnomAD v4.1: 16 of 1,611,916 alleles (0.00099%); highest among the groups gnomAD compares: Non-Finnish European, 0.0014%; no homozygotes.

Submission:

Labcorp Genetics (formerly Invitae), Labcorp
Classification: Uncertain significance for Dyskeratosis congenita, autosomal recessive 5; Pulmonary fibrosis and/or bone marrow failure, Telomere-related, 3. Last evaluated: 2023-11-19. Review status: criteria provided, single submitter. Criteria: Invitae Variant Classification Sherloc (09022015). Collection method: clinical testing. Allele origin: germline.
Comment: This sequence change affects codon 546 of the RTEL1 mRNA. It is a 'silent' change, meaning that it does not change the encoded amino acid sequence of the RTEL1 protein. This variant also falls at the last nucleotide of exon 19, which is part of the consensus splice site for this exon. This variant is present in population databases (rs761587168, gnomAD 0.0009%). This variant has not been reported in the literature in individuals affected with RTEL1-related conditions. An algorithm developed to predict the effect of missense changes on protein structure and function (PolyPhen-2) suggests that this variant is likely to be tolerated. Variants that disrupt the consensus splice site are a relatively common cause of aberrant splicing (PMID: 17576681, 9536098). Algorithms developed to predict the effect of sequence changes on RNA splicing suggest that this variant may disrupt the consensus splice site. In summary, the available evidence is currently insufficient to determine the role of this variant in disease. Therefore, it has been classified as a Variant of Uncertain Significance.

Literature cited by the submitters: PubMed 17576681; PubMed 9536098.